The following is an entry in ClinVar:

NM_001510.4(GRID2):c.1946C>T (p.Thr649Met)

Gene: GRID2 (glutamate ionotropic receptor delta type subunit 2; plus strand). Cytogenetic location: 4q22.2.
Variant type: single nucleotide variant.
Coding change: c.1946C>T on transcript NM_001510.4 (MANE Select); coding-DNA position 1946, C replaced by T.
Protein change: p.Thr649Met; replaces threonine 649 with methionine.
Molecular consequence: missense variant.
Genome position (GRCh38, 1-based): chr4:93,490,726, C>T. VCF-style: chr4-93490726-C-T. GRCh37 (hg19) VCF-style: chr4-94411877-C-T.
Other names: c.1661C>T, p.Thr554Met (NM_001286838.1); c.1946C>T (NM_001510.3); short protein forms T554M, T649M.
Identifiers: ClinVar variation 2053093 (VCV002053093.5), dbSNP rs150683134, ClinGen allele CA3012415.
Genomic context (GRCh38, chr4:93,490,726, plus strand): 5'-CTACCCGAATGATGATGGGGGCTTGGTGGCTATTTGCTTTGATTGTTATCTCATCTTACA[C>T]GGCAAACCTCGCTGCTTTCCTCACTATTACACGCATTGAAAGTTCCATCCAGTAAGTAAA-3'
Protein context (NP_001501.2, residues 639-659): LFALIVISSY[Thr649Met]ANLAAFLTIT

ClinVar aggregate classification (germline): Uncertain significance. Review status: criteria provided, multiple submitters, no conflicts (2 of 4 stars). 2 submissions from 2 submitters: Uncertain significance (2). Last evaluated 2024-06-13.

Allele frequency attached by ClinVar (database versions not stated): ExAC 0.00007; gnomAD exomes 0.00014; TOPMed 0.00008; gnomAD 0.00011; ESP Exome Variant Server 0.00023.
gnomAD v4.1: 225 of 1,609,998 alleles (0.014%); highest among the groups gnomAD compares: Non-Finnish European, 0.018%; no homozygotes.

Submissions (2):

GeneDx
Classification: Uncertain significance. Last evaluated: 2024-06-13. Review status: criteria provided, single submitter. Criteria: GeneDx Variant Classification Process June 2021. Collection method: clinical testing. Allele origin: germline. Affected: yes.
Comment: Published functional studies demonstrate a damaging effect as the variant decreases total and surface protein expression of GluD2 when expressed in HEK293 cells (PMID: 37944084); In silico analysis supports that this missense variant has a deleterious effect on protein structure/function; This variant is associated with the following publications: (PMID: 37944084)

Labcorp Genetics (formerly Invitae), Labcorp
Classification: Uncertain significance. Last evaluated: 2022-03-17. Review status: criteria provided, single submitter. Criteria: Invitae Variant Classification Sherloc (09022015). Collection method: clinical testing. Allele origin: germline.
Comment: This variant is present in population databases (rs150683134, gnomAD 0.02%). In summary, the available evidence is currently insufficient to determine the role of this variant in disease. Therefore, it has been classified as a Variant of Uncertain Significance. Algorithms developed to predict the effect of missense changes on protein structure and function are either unavailable or do not agree on the potential impact of this missense change (SIFT: "Deleterious"; PolyPhen-2: "Probably Damaging"; Align-GVGD: "Class C0"). This variant has not been reported in the literature in individuals affected with GRID2-related conditions. This sequence change replaces threonine, which is neutral and polar, with methionine, which is neutral and non-polar, at codon 649 of the GRID2 protein (p.Thr649Met).